The following is an entry in ClinVar:

ClinVar aggregate classification (germline): Uncertain significance. Review status: criteria provided, multiple submitters, no conflicts (2 of 4 stars). 2 submissions from 2 submitters: Uncertain significance (2). Last evaluated 2024-10-08.

Conditions:
Dilated cardiomyopathy 1DD (CMD1DD). Identifiers: Orphanet 154, MedGen C2750995, MONDO:0013168, OMIM 613172.
Cardiovascular phenotype. Identifiers: MedGen CN230736.

Allele frequency attached by ClinVar (database versions not stated): gnomAD exomes below 0.00001.
gnomAD v4.1: 3 of 1,541,900 alleles (0.00019%); highest among the groups gnomAD compares: African/African-American, 0.0014%; no homozygotes.

Submissions (2):

Ambry Genetics
Classification: Uncertain significance for Cardiovascular phenotype. Last evaluated: 2024-10-08. Review status: criteria provided, single submitter. Criteria: Ambry Variant Classification Scheme 2023. Collection method: clinical testing. Allele origin: germline.
Comment: The p.Y628C variant (also known as c.1883A>G), located in coding exon 9 of the RBM20 gene, results from an A to G substitution at nucleotide position 1883. The tyrosine at codon 628 is replaced by cysteine, an amino acid with highly dissimilar properties. This amino acid position is conserved. In addition, this alteration is predicted to be deleterious by in silico analysis. Based on the available evidence, the clinical significance of this variant remains unclear.

Labcorp Genetics (formerly Invitae), Labcorp
Classification: Uncertain significance for Dilated cardiomyopathy 1DD. Last evaluated: 2021-08-05. Review status: criteria provided, single submitter. Criteria: Invitae Variant Classification Sherloc (09022015). Collection method: clinical testing. Allele origin: germline.
Comment: In summary, the available evidence is currently insufficient to determine the role of this variant in disease. Therefore, it has been classified as a Variant of Uncertain Significance. Algorithms developed to predict the effect of missense changes on protein structure and function (SIFT, PolyPhen-2, Align-GVGD) all suggest that this variant is likely to be disruptive. This variant has not been reported in the literature in individuals affected with RBM20-related conditions. The frequency data for this variant in the population databases is considered unreliable, as metrics indicate insufficient coverage at this position in the ExAC database. This sequence change replaces tyrosine with cysteine at codon 628 of the RBM20 protein (p.Tyr628Cys). The tyrosine residue is highly conserved and there is a large physicochemical difference between tyrosine and cysteine.

NM_001134363.3(RBM20):c.1883A>G (p.Tyr628Cys)

Gene: RBM20 (RNA binding motif protein 20; plus strand). Cytogenetic location: 10q25.2.
Variant type: single nucleotide variant.
Coding change: c.1883A>G on transcript NM_001134363.3 (MANE Select); coding-DNA position 1883, A replaced by G.
Protein change: p.Tyr628Cys; replaces tyrosine 628 with cysteine.
Molecular consequence: missense variant.
Genome position (GRCh38, 1-based): chr10:110,812,280, A>G. VCF-style: chr10-110812280-A-G. GRCh37 (hg19) VCF-style: chr10-112572038-A-G.
Other names: c.1883A>G (NM_001134363.1); short protein forms Y628C.
Identifiers: ClinVar variation 1398663 (VCV001398663.7), dbSNP rs2135103547, ClinGen allele CA378370222.
Genomic context (GRCh38, chr10:110,812,280, plus strand): 5'-GGTGGGGTGGGATGGGAGGTGTGAAGATTCTAAATCCTGCTCCTTGGCTCCCTCACAGAT[A>G]TGGCCCAGAAAGGCCGCGGTCTCGTAGTCCGGTGAGCCGGTCACTCTCCCCGAGGTCCCA-3'
Protein context (NP_001127835.2, residues 618-638): ERDMFREADR[Tyr628Cys]GPERPRSRSP